The following is an entry in ClinVar:

ClinVar aggregate classification (germline): Likely benign (1 of 4 stars; one submission).

Submission:

CeGaT Center for Human Genetics Tuebingen
Classification: Likely benign. Last evaluated: 2025-11-01. Review status: criteria provided, single submitter. Criteria: CeGaT Center For Human Genetics Tuebingen Variant Classification Criteria Version 2. Collection method: clinical testing. Allele origin: germline. Affected: yes. Observed: 1 variant allele.
Comment: SPTAN1: PM2:Supporting, BP4, BP7

NM_001130438.3(SPTAN1):c.6174C>T (p.Ala2058=)

Gene: SPTAN1 (spectrin alpha, non-erythrocytic 1; plus strand). Cytogenetic location: 9q34.11.
Variant type: single nucleotide variant.
Coding change: c.6174C>T on transcript NM_001130438.3 (MANE Select); coding-DNA position 6174, C replaced by T.
Protein change: p.Ala2058=; no amino-acid change (alanine 2058 retained).
Molecular consequence: synonymous variant.
Genome position (GRCh38, 1-based): chr9:128,625,873, C>T. VCF-style: chr9-128625873-C-T. GRCh37 (hg19) VCF-style: chr9-131388152-C-T.
Other names: c.6159C>T, p.Ala2053= (NM_003127.4, NM_001438443.1, NM_001438445.1); c.6210C>T, p.Ala2070= (NM_001375312.2, NM_001375318.1, NM_001438440.1); c.6174C>T, p.Ala2058= (NM_001375313.1, NM_001375311.2, NM_001363759.2 and 1 more transcripts); c.6114C>T, p.Ala2038= (NM_001375314.2, NM_001438442.1, NM_001363765.2); c.6099C>T, p.Ala2033= (NM_001438441.1, NM_001438444.1, NM_001195532.2).
Identifiers: ClinVar variation 4535167 (VCV004535167.6).